The following is an entry in ClinVar:

ClinVar aggregate classification (germline): Uncertain significance. Review status: criteria provided, multiple submitters, no conflicts (2 of 4 stars). 3 submissions from 3 submitters: Uncertain significance (3). Last evaluated 2024-03-08.

Conditions:
Charcot-Marie-Tooth disease axonal type 2O. Also called: CHARCOT-MARIE-TOOTH NEUROPATHY, AXONAL, TYPE 2O; CHARCOT-MARIE-TOOTH DISEASE, AXONAL, AUTOSOMAL DOMINANT, TYPE 2O; Charcot-Marie-Tooth Neuropathy Type 2O; Charcot-Marie-Tooth disease, axonal, type 20. Identifiers: Orphanet 284232, MedGen C3280220, MONDO:0013644, OMIM 614228.

Allele frequency attached by ClinVar (database versions not stated): gnomAD exomes below 0.00001; TOPMed 0.00001.
gnomAD v4.1: 1 of 1,614,246 alleles (0.000062%); highest among the groups gnomAD compares: Non-Finnish European, 0.000085%; no homozygotes.

Submissions (3):

Mayo Clinic Laboratories, Mayo Clinic
Classification: Uncertain significance. Last evaluated: 2024-03-08. Review status: criteria provided, single submitter. Criteria: ACMG Guidelines, 2015. Collection method: clinical testing. Allele origin: germline. Observed: 1 variant allele.
Comment: BP4

GeneDx
Classification: Uncertain significance. Last evaluated: 2021-01-07. Review status: criteria provided, single submitter. Criteria: GeneDx Variant Classification Process June 2021. Collection method: clinical testing. Allele origin: germline. Affected: yes.
Comment: Not observed in large population cohorts (Lek et al., 2016); In silico analysis supports that this missense variant has a deleterious effect on protein structure/function; Has not been previously published as pathogenic or benign to our knowledge

Labcorp Genetics (formerly Invitae), Labcorp
Classification: Uncertain significance for Charcot-Marie-Tooth disease axonal type 2O. Last evaluated: 2019-02-15. Review status: criteria provided, single submitter. Criteria: Invitae Variant Classification Sherloc (09022015). Collection method: clinical testing. Allele origin: germline.
Comment: In summary, the available evidence is currently insufficient to determine the role of this variant in disease. Therefore, it has been classified as a Variant of Uncertain Significance. Algorithms developed to predict the effect of missense changes on protein structure and function are either unavailable or do not agree on the potential impact of this missense change (SIFT: "Deleterious"; PolyPhen-2: "Benign"; Align-GVGD: "Class C0"). This variant has not been reported in the literature in individuals with DYNC1H1-related conditions. This variant is not present in population databases (ExAC no frequency). This sequence change replaces lysine with asparagine at codon 228 of the DYNC1H1 protein (p.Lys228Asn). The lysine residue is highly conserved and there is a moderate physicochemical difference between lysine and asparagine.

NM_001376.5(DYNC1H1):c.684A>C (p.Lys228Asn)

Gene: DYNC1H1 (dynein cytoplasmic 1 heavy chain 1; plus strand). Cytogenetic location: 14q32.31.
Variant type: single nucleotide variant.
Coding change: c.684A>C on transcript NM_001376.5 (MANE Select); coding-DNA position 684, A replaced by C.
Protein change: p.Lys228Asn; replaces lysine 228 with asparagine.
Molecular consequence: missense variant.
Genome position (GRCh38, 1-based): chr14:101,979,884, A>C. VCF-style: chr14-101979884-A-C. GRCh37 (hg19) VCF-style: chr14-102446221-A-C.
Other names: p.Lys228Asn; short protein forms K228N.
Identifiers: ClinVar variation 849983 (VCV000849983.12), dbSNP rs1232919238, ClinGen allele CA391008674.